The following is an entry in ClinVar:

ClinVar aggregate classification (germline): Pathogenic/Likely pathogenic. Review status: criteria provided, multiple submitters, no conflicts (2 of 4 stars). 2 submissions from 2 submitters: Pathogenic (1); Likely pathogenic (1). Last evaluated 2023-12-12.

Conditions:
FOXRED1-related disorders.

Allele frequency attached by ClinVar (database versions not stated): gnomAD exomes below 0.00001; TOPMed below 0.00001; ExAC 0.00001.
gnomAD v4.1: 7 of 1,388,136 alleles (0.0005%); highest among the groups gnomAD compares: Non-Finnish European, 0.00058%; no homozygotes.

Submissions (2):

Blueprint Genetics
Classification: Likely pathogenic for FOXRED1-related disorders. Last evaluated: 2023-12-12. Review status: criteria provided, single submitter. Criteria: ACMG Guidelines, 2015. Collection method: clinical testing. Allele origin: germline. Affected: yes. Observed: 1 variant allele.

Labcorp Genetics (formerly Invitae), Labcorp
Classification: Pathogenic. Last evaluated: 2023-07-08. Review status: criteria provided, single submitter. Criteria: Invitae Variant Classification Sherloc (09022015). Collection method: clinical testing. Allele origin: germline.
Comment: For these reasons, this variant has been classified as Pathogenic. This sequence change creates a premature translational stop signal (p.Cys331*) in the FOXRED1 gene. It is expected to result in an absent or disrupted protein product. Loss-of-function variants in FOXRED1 are known to be pathogenic (PMID: 20818383, 20858599). This variant is present in population databases (rs777259232, gnomAD 0.001%). This variant has not been reported in the literature in individuals affected with FOXRED1-related conditions. Algorithms developed to predict the effect of sequence changes on RNA splicing suggest that this variant may disrupt the consensus splice site.

Literature cited by the submitters: PubMed 20818383 (cited by Labcorp Genetics (formerly Invitae), Labcorp); PubMed 20858599 (cited by Labcorp Genetics (formerly Invitae), Labcorp).

NM_017547.4(FOXRED1):c.993C>A (p.Cys331Ter)

Gene: FOXRED1 (FAD dependent oxidoreductase domain containing 1; plus strand). Cytogenetic location: 11q24.2.
Variant type: single nucleotide variant.
Coding change: c.993C>A on transcript NM_017547.4 (MANE Select); coding-DNA position 993, C replaced by A.
Protein change: p.Cys331Ter; replaces cysteine 331 with a stop codon.
Molecular consequence: nonsense. On other transcripts: non-coding transcript variant (2).
Genome position (GRCh38, 1-based): chr11:126,276,415, C>A. VCF-style: chr11-126276415-C-A. GRCh37 (hg19) VCF-style: chr11-126146310-C-A.
Other names: c.1023C>A, p.Cys341Ter (NM_001425160.1); c.993C>A, p.Cys331Ter (NM_001425161.1, NM_001425163.1, NM_001425165.1 and 1 more transcripts); c.990C>A, p.Cys330Ter (NM_001425164.1); c.891C>A, p.Cys297Ter (NM_001425167.1); c.483C>A, p.Cys161Ter (NM_001425168.1, NM_001425169.1, NM_001425170.1); c.432C>A, p.Cys144Ter (NM_001425171.1, NM_001425172.1); c.360C>A, p.Cys120Ter (NM_001425173.1, NM_001425174.1, NM_001425175.1); short protein forms C297*, C331*, C120*, C341*, C144*, C330*, C161*.
Identifiers: ClinVar variation 2876685 (VCV002876685.4), dbSNP rs777259232, ClinGen allele CA6354334.